The following is an entry in ClinVar:

NM_033026.6(PCLO):c.11378A>G (p.Glu3793Gly)

Gene: PCLO (piccolo presynaptic cytomatrix protein; minus strand). Cytogenetic location: 7q21.11.
Variant type: single nucleotide variant.
Coding change: c.11378A>G on transcript NM_033026.6 (MANE Select); coding-DNA position 11378, A replaced by G.
Protein change: p.Glu3793Gly; replaces glutamic acid 3793 with glycine.
Molecular consequence: missense variant.
Genome position (GRCh38, 1-based): chr7:82,916,608, T>C on the plus strand (A>G on the coding strand, the complement: PCLO is on the minus strand). VCF-style: chr7-82916608-T-C. GRCh37 (hg19) VCF-style: chr7-82545924-T-C.
Other names: c.11378A>G, p.Glu3793Gly (NM_014510.3); short protein forms E3793G.
Identifiers: ClinVar variation 3903259 (VCV003903259.1).
Genomic context (GRCh38, chr7:82,916,608, plus strand): 5'-AATAGGGCCTCTTTCCTCCTGTTAATTCCCATTTCCAGGTATCGTAGCTTAGCATCAATC[T>C]CCTTTTCTTCTTCATCAAGCTCTGCTTGTTTCTTTCGAAGTTTTGCAGACTCCCTTTCCA-3'
Protein context (NP_149015.2, residues 3783-3803): KQAELDEEEK[Glu3793Gly]IDAKLRYLEM

ClinVar aggregate classification (germline): Uncertain significance (1 of 4 stars; one submission).

Submission:

GeneDx
Classification: Uncertain significance. Last evaluated: 2023-10-08. Review status: criteria provided, single submitter. Criteria: GeneDx Variant Classification Process June 2021. Collection method: clinical testing. Allele origin: germline. Affected: yes.
Comment: Not observed at significant frequency in large population cohorts (gnomAD); In silico analysis supports that this missense variant has a deleterious effect on protein structure/function; Has not been previously published as pathogenic or benign to our knowledge; Variants in candidate genes are classified as variants of uncertain significance in accordance with ACMG guidelines (Richards et al., 2015)